The following is an entry in ClinVar:

NM_001854.4(COL11A1):c.3899G>A (p.Gly1300Asp)

Gene: COL11A1 (collagen type XI alpha 1 chain; minus strand). Cytogenetic location: 1p21.1.
Variant type: single nucleotide variant.
Coding change: c.3899G>A on transcript NM_001854.4 (MANE Select); coding-DNA position 3899, G replaced by A.
Protein change: p.Gly1300Asp; replaces glycine 1300 with aspartic acid.
Molecular consequence: missense variant. On other transcripts: non-coding transcript variant (1).
Genome position (GRCh38, 1-based): chr1:102,914,729, C>T on the plus strand (G>A on the coding strand, the complement: COL11A1 is on the minus strand). VCF-style: chr1-102914729-C-T. GRCh37 (hg19) VCF-style: chr1-103380285-C-T.
Other names: c.3782G>A, p.Gly1261Asp (NM_001190709.2); c.3935G>A, p.Gly1312Asp (NM_080629.3); c.3551G>A, p.Gly1184Asp (NM_080630.4); short protein forms G1184D, G1300D, G1261D, G1312D.
Identifiers: ClinVar variation 1441520 (VCV001441520.6), dbSNP rs2101032411, ClinGen allele CA341161279.
Genomic context (GRCh38, chr1:102,914,729, plus strand): 5'-TAAATGCCACATTAGAGGGGACCAAACTCACTTACCGGGTTACCCTTAGGGCCATCATCA[C>T]CTGGTGGCCCCTTGGCACCTGGAGGTCCAGCAGCTCCAGGTGGACCAGCTTCCCCTTTCT-3'
Protein context (NP_001845.3, residues 1290-1310): AGPPGAKGPP[Gly1300Asp]DDGPKGNPGP

ClinVar aggregate classification (germline): Uncertain significance (1 of 4 stars; one submission).

Submission:

Labcorp Genetics (formerly Invitae), Labcorp
Classification: Uncertain significance. Last evaluated: 2022-06-13. Review status: criteria provided, single submitter. Criteria: Invitae Variant Classification Sherloc (09022015). Collection method: clinical testing. Allele origin: germline.
Comment: This sequence change replaces glycine, which is neutral and non-polar, with aspartic acid, which is acidic and polar, at codon 1300 of the COL11A1 protein (p.Gly1300Asp). In summary, the available evidence is currently insufficient to determine the role of this variant in disease. Therefore, it has been classified as a Variant of Uncertain Significance. Advanced modeling of protein sequence and biophysical properties (such as structural, functional, and spatial information, amino acid conservation, physicochemical variation, residue mobility, and thermodynamic stability) performed at Invitae indicates that this missense variant is expected to disrupt COL11A1 protein function. This variant has not been reported in the literature in individuals affected with COL11A1-related conditions. This variant is not present in population databases (gnomAD no frequency).